The following is an entry in ClinVar:

NM_024757.5(EHMT1):c.13G>A (p.Asp5Asn)

Genes: EHMT1 (euchromatic histone lysine methyltransferase 1; plus strand), LOC130003135 (ATAC-STARR-seq lymphoblastoid silent region 20636; plus strand). Cytogenetic location: 9q34.3.
Variant type: single nucleotide variant.
Coding change: c.13G>A on transcript NM_024757.5 (MANE Select); coding-DNA position 13, G replaced by A.
Protein change: p.Asp5Asn; replaces aspartic acid 5 with asparagine.
Molecular consequence: missense variant. On other transcripts: 5 prime UTR variant (2).
Genome position (GRCh38, 1-based): chr9:137,619,041, G>A. VCF-style: chr9-137619041-G-A. GRCh37 (hg19) VCF-style: chr9-140513493-G-A.
Other names: c.13G>A, p.Asp5Asn (NM_001145527.2, NM_001354263.2, NM_001354611.2); c.-17G>A (NM_001354259.2, NM_001354612.2); short protein forms D5N.
Identifiers: ClinVar variation 1204537 (VCV001204537.7), dbSNP rs1050977100, ClinGen allele CA201812625.

ClinVar aggregate classification (germline): Conflicting classifications of pathogenicity. Review status: criteria provided, conflicting classifications (1 of 4 stars). 3 submissions from 3 submitters: Uncertain significance (2); Likely benign (1). Last evaluated 2025-03-12.

Conditions:
Kleefstra syndrome 1 (KLEFS1). Identifiers: Orphanet 261494, MedGen C0795833, MONDO:0027407, OMIM 610253.

Allele frequency attached by ClinVar (database versions not stated): TOPMed 0.00001.

Submissions (3):

Labcorp Genetics (formerly Invitae), Labcorp
Classification: Uncertain significance for Kleefstra syndrome 1. Last evaluated: 2025-03-12. Review status: criteria provided, single submitter. Criteria: Invitae Variant Classification Sherloc (09022015). Collection method: clinical testing. Allele origin: germline.
Comment: This sequence change replaces aspartic acid, which is acidic and polar, with asparagine, which is neutral and polar, at codon 5 of the EHMT1 protein (p.Asp5Asn). The frequency data for this variant in the population databases is considered unreliable, as metrics indicate insufficient coverage at this position in the gnomAD database. This variant has not been reported in the literature in individuals affected with EHMT1-related conditions. This missense change has been observed in at least one individual who was not affected with EHMT1-related conditions (internal data). ClinVar contains an entry for this variant (Variation ID: 1204537). An algorithm developed to predict the effect of missense changes on protein structure and function (PolyPhen-2) suggests that this variant is likely to be tolerated. In summary, the available evidence is currently insufficient to determine the role of this variant in disease. Therefore, it has been classified as a Variant of Uncertain Significance.

Women's Health and Genetics/Laboratory Corporation of America, LabCorp
Classification: Uncertain significance. Last evaluated: 2023-10-19. Review status: criteria provided, single submitter. Criteria: LabCorp Variant Classification Summary - May 2015. Collection method: clinical testing. Allele origin: germline.
Comment: Variant summary: EHMT1 c.13G>A (p.Asp5Asn) results in a conservative amino acid change in the encoded protein sequence. Four of five in-silico tools predict a benign effect of the variant on protein function. The available data on variant occurrences in the general population are insufficient to allow any conclusion about variant significance. To our knowledge, no occurrence of c.13G>A in individuals affected with Kleefstra Syndrome 1 and no experimental evidence demonstrating its impact on protein function have been reported. One submitter has cited clinical-significance assessments for this variant to ClinVar after 2014 and has classified the variant as likely benign. Based on the evidence outlined above, the variant was classified as uncertain significance.

GeneDx
Classification: Likely benign. Last evaluated: 2020-07-17. Review status: criteria provided, single submitter. Criteria: GeneDx Variant Classification Process June 2021. Collection method: clinical testing. Allele origin: germline. Affected: yes.